The following is an entry in ClinVar:

NM_003242.6(TGFBR2):c.559T>C (p.Tyr187His)

Gene: TGFBR2 (transforming growth factor beta receptor 2; plus strand). Cytogenetic location: 3p24.1.
Variant type: single nucleotide variant.
Coding change: c.559T>C on transcript NM_003242.6 (MANE Select); coding-DNA position 559, T replaced by C.
Protein change: p.Tyr187His; replaces tyrosine 187 with histidine.
Molecular consequence: missense variant. On other transcripts: intron variant (1).
Genome position (GRCh38, 1-based): chr3:30,671,742, T>C. VCF-style: chr3-30671742-T-C. GRCh37 (hg19) VCF-style: chr3-30713234-T-C.
Other names: c.634T>C, p.Tyr212His (NM_001024847.3); c.742T>C, p.Tyr248His (NM_001407126.1); c.667T>C, p.Tyr223His (NM_001407127.1); c.586T>C, p.Tyr196His (NM_001407128.1); c.562T>C, p.Tyr188His (NM_001407129.1); c.559T>C, p.Tyr187His (NM_001407130.1); c.454T>C, p.Tyr152His (NM_001407132.1, NM_001407133.1, NM_001407134.1 and 2 more transcripts); c.274T>C, p.Tyr92His (NM_001407137.1); and 2 more; short protein forms Y152H, Y187H, Y196H, Y212H, Y67H, Y92H, Y188H, Y223H.
Identifiers: ClinVar variation 3635615 (VCV003635615.2).

ClinVar aggregate classification (germline): Uncertain significance (1 of 4 stars; one submission).

Conditions:
Familial thoracic aortic aneurysm and aortic dissection (TAAD). Also called: Thoracic aortic aneurysms and dissections. Identifiers: Orphanet 91387, MedGen C4707243, MONDO:0019625.

Submission:

Labcorp Genetics (formerly Invitae), Labcorp
Classification: Uncertain significance for Familial thoracic aortic aneurysm and aortic dissection. Last evaluated: 2024-12-31. Review status: criteria provided, single submitter. Criteria: Invitae Variant Classification Sherloc (09022015). Collection method: clinical testing. Allele origin: germline.
Comment: This sequence change replaces tyrosine, which is neutral and polar, with histidine, which is basic and polar, at codon 187 of the TGFBR2 protein (p.Tyr187His). This variant is not present in population databases (gnomAD no frequency). This variant has not been reported in the literature in individuals affected with TGFBR2-related conditions. Invitae Evidence Modeling of protein sequence and biophysical properties (such as structural, functional, and spatial information, amino acid conservation, physicochemical variation, residue mobility, and thermodynamic stability) has been performed for this missense variant. However, the output from this modeling did not meet the statistical confidence thresholds required to predict the impact of this variant on TGFBR2 protein function. In summary, the available evidence is currently insufficient to determine the role of this variant in disease. Therefore, it has been classified as a Variant of Uncertain Significance.